The following is an entry in ClinVar:

NM_001365480.1(CCDC88A):c.3023A>G (p.Lys1008Arg)

Gene: CCDC88A (coiled-coil and HOOK domain protein 88A; minus strand). Cytogenetic location: 2p16.1.
Variant type: single nucleotide variant.
Coding change: c.3023A>G on transcript NM_001365480.1 (MANE Select); coding-DNA position 3023, A replaced by G.
Protein change: p.Lys1008Arg; replaces lysine 1008 with arginine.
Molecular consequence: missense variant.
Genome position (GRCh38, 1-based): chr2:55,322,667, T>C on the plus strand (A>G on the coding strand, the complement: CCDC88A is on the minus strand). VCF-style: chr2-55322667-T-C. GRCh37 (hg19) VCF-style: chr2-55549803-T-C.
Other names: c.3020A>G, p.Lys1007Arg (NM_001135597.2, NM_001254943.2); c.3023A>G, p.Lys1008Arg (NM_018084.5); c.3020A>G (NM_001135597.1); short protein forms K1008R, K1007R.
Identifiers: ClinVar variation 1366392 (VCV001366392.5), dbSNP rs201170449, ClinGen allele CA1665856.

ClinVar aggregate classification (germline): Uncertain significance. Review status: criteria provided, multiple submitters, no conflicts (2 of 4 stars). 2 submissions from 2 submitters: Uncertain significance (2). Last evaluated 2025-11-13.

Allele frequency attached by ClinVar (database versions not stated): gnomAD exomes 0.00001; ExAC 0.00001; 1000 Genomes Project 0.00020; gnomAD 0.00009 and 0.00008; TOPMed 0.00028; 1000 Genomes Project 30x 0.00031.
gnomAD v4.1: 24 of 1,542,216 alleles (0.0016%); highest among the groups gnomAD compares: Admixed American, 0.037%; no homozygotes.

Submissions (2):

Ambry Genetics
Classification: Uncertain significance. Last evaluated: 2025-11-13. Review status: criteria provided, single submitter. Criteria: Ambry Variant Classification Scheme 2023. Collection method: clinical testing. Allele origin: germline.

Labcorp Genetics (formerly Invitae), Labcorp
Classification: Uncertain significance. Last evaluated: 2022-10-18. Review status: criteria provided, single submitter. Criteria: Invitae Variant Classification Sherloc (09022015). Collection method: clinical testing. Allele origin: germline.
Comment: This sequence change replaces lysine, which is basic and polar, with arginine, which is basic and polar, at codon 1007 of the CCDC88A protein (p.Lys1007Arg). This variant is present in population databases (rs201170449, gnomAD 0.01%). This variant has not been reported in the literature in individuals affected with CCDC88A-related conditions. ClinVar contains an entry for this variant (Variation ID: 1366392). Algorithms developed to predict the effect of missense changes on protein structure and function (SIFT, PolyPhen-2, Align-GVGD) all suggest that this variant is likely to be tolerated. In summary, the available evidence is currently insufficient to determine the role of this variant in disease. Therefore, it has been classified as a Variant of Uncertain Significance.